The following is an entry in ClinVar:

NM_001849.4(COL6A2):c.627C>G (p.His209Gln)

Gene: COL6A2 (collagen type VI alpha 2 chain; plus strand). Cytogenetic location: 21q22.3.
Variant type: single nucleotide variant.
Coding change: c.627C>G on transcript NM_001849.4 (MANE Select); coding-DNA position 627, C replaced by G.
Protein change: p.His209Gln; replaces histidine 209 with glutamine.
Molecular consequence: missense variant.
Genome position (GRCh38, 1-based): chr21:46,112,490, C>G. VCF-style: chr21-46112490-C-G. GRCh37 (hg19) VCF-style: chr21-47532404-C-G.
Other names: c.627C>G, p.His209Gln (NM_058174.3, NM_058175.3); short protein forms H209Q.
Identifiers: ClinVar variation 1361215 (VCV001361215.6), dbSNP rs545218705, ClinGen allele CA321957364.

ClinVar aggregate classification (germline): Uncertain significance (1 of 4 stars; one submission).

Conditions:
Bethlem myopathy 1A. Also called: MYOPATHY, BENIGN CONGENITAL, WITH CONTRACTURES; Bethlem Muscular Dystrophy; Bethlem myopathy 1. Identifiers: Orphanet 610, MedGen CN029274, MONDO:0024530, OMIM 158810.

gnomAD v4.1: 3 of 1,611,458 alleles (0.00019%); highest among the groups gnomAD compares: Non-Finnish European, 0.000085%; no homozygotes.

Submission:

Labcorp Genetics (formerly Invitae), Labcorp
Classification: Uncertain significance for Bethlem myopathy 1A. Last evaluated: 2021-11-14. Review status: criteria provided, single submitter. Criteria: Invitae Variant Classification Sherloc (09022015). Collection method: clinical testing. Allele origin: germline.
Comment: This sequence change replaces histidine, which is basic and polar, with glutamine, which is neutral and polar, at codon 209 of the COL6A2 protein (p.His209Gln). This variant is present in population databases (no rsID available, gnomAD 0.0009%). This variant has not been reported in the literature in individuals affected with COL6A2-related conditions. Advanced modeling of protein sequence and biophysical properties (such as structural, functional, and spatial information, amino acid conservation, physicochemical variation, residue mobility, and thermodynamic stability) performed at Invitae indicates that this missense variant is not expected to disrupt COL6A2 protein function. In summary, the available evidence is currently insufficient to determine the role of this variant in disease. Therefore, it has been classified as a Variant of Uncertain Significance.